The following is an entry in ClinVar:

NM_001365276.2(TNXB):c.11161C>T (p.Arg3721Trp)

Genes: TNXB (tenascin XB; minus strand), LOC106780803 (tenascin XB recombination region; plus strand). Cytogenetic location: 6p21.33.
Variant type: single nucleotide variant.
Coding change: c.11161C>T on transcript NM_001365276.2 (MANE Select); coding-DNA position 11161, C replaced by T.
Protein change: p.Arg3721Trp; replaces arginine 3721 with tryptophan.
Molecular consequence: missense variant.
Genome position (GRCh38, 1-based): chr6:32,044,483, G>A on the plus strand (C>T on the coding strand, the complement: TNXB is on the minus strand). VCF-style: chr6-32044483-G-A. GRCh37 (hg19) VCF-style: chr6-32012260-G-A.
Other names: p.Arg3719Trp; c.11155C>T, p.Arg3719Trp (NM_019105.8); c.448C>T, p.Arg150Trp (NM_032470.4); short protein forms R150W, R3719W, R3721W.
Identifiers: ClinVar variation 1200245 (VCV001200245.5), dbSNP rs1254389093, ClinGen allele CA363523511.
Genomic context (GRCh38, chr6:32,044,483, plus strand): 5'-TGTGGGGTCCTCGCAGCCCATACAGTGTCAGGCTGTACAGAGTCCCGGAACGCAGGTCCC[G>A]GAGCACGGCCGAGTGCCGCGTCCCCGGCACCATCAGCTCGCGCTGCAGCAGTGGACGCGG-3'
Protein context (NP_001352205.1, residues 3711-3731): VPGTRHSAVL[Arg3721Trp]DLRSGTLYSL

ClinVar aggregate classification (germline): Benign/Likely benign. Review status: criteria provided, multiple submitters, no conflicts (2 of 4 stars). 3 submissions from 3 submitters: Benign (1); Likely benign (2). Last evaluated 2024-06-17.

Allele frequency attached by ClinVar (database versions not stated): gnomAD exomes 0.01335; 1000 Genomes Project 30x 0.00265.

Submissions (3):

Mayo Clinic Laboratories, Mayo Clinic
Classification: Benign. Last evaluated: 2024-06-17. Review status: criteria provided, single submitter. Criteria: ACMG Guidelines, 2015. Collection method: clinical testing. Allele origin: germline. Observed: 148 variant alleles.
Comment: BS1, BS2

GeneDx
Classification: Likely benign. Last evaluated: 2018-07-09. Review status: criteria provided, single submitter. Criteria: GeneDx Variant Classification Process June 2021. Collection method: clinical testing. Allele origin: germline. Affected: yes.

Breakthrough Genomics
Classification: Likely benign. Review status: criteria provided, single submitter. Criteria: ACMG Guidelines, 2015. Collection method: not provided. Allele origin: germline. Inheritance: Autosomal recessive inheritance. Affected: yes.